The following is an entry in ClinVar:

NM_001008537.3(NEXMIF):c.1695G>C (p.Glu565Asp)

Gene: NEXMIF (neurite extension and migration factor; minus strand). Cytogenetic location: Xq13.3.
Variant type: single nucleotide variant.
Coding change: c.1695G>C on transcript NM_001008537.3 (MANE Select); coding-DNA position 1695, G replaced by C.
Protein change: p.Glu565Asp; replaces glutamic acid 565 with aspartic acid.
Molecular consequence: missense variant.
Genome position (GRCh38, 1-based): chrX:74,742,862, C>G on the plus strand (G>C on the coding strand, the complement: NEXMIF is on the minus strand). VCF-style: chrX-74742862-C-G. GRCh37 (hg19) VCF-style: chrX-73962697-C-G.
Other names: short protein forms E565D.
Identifiers: ClinVar variation 969948 (VCV000969948.9), dbSNP rs1303017755, ClinGen allele CA413669908.

ClinVar aggregate classification (germline): Uncertain significance (1 of 4 stars; one submission).

Allele frequency attached by ClinVar (database versions not stated): gnomAD exomes below 0.00001 and 0.00001; gnomAD 0.00001; TOPMed 0.00003.
gnomAD v4.1: 5 of 1,209,355 alleles (0.00041%); highest among the groups gnomAD compares: African/African-American, 0.0088%; no homozygotes.

Submission:

Labcorp Genetics (formerly Invitae), Labcorp
Classification: Uncertain significance. Last evaluated: 2020-10-06. Review status: criteria provided, single submitter. Criteria: Invitae Variant Classification Sherloc (09022015). Collection method: clinical testing. Allele origin: germline.
Comment: Algorithms developed to predict the effect of missense changes on protein structure and function are either unavailable or do not agree on the potential impact of this missense change (SIFT: "Deleterious"; PolyPhen-2: "Benign"; Align-GVGD: "Class C35"). This sequence change replaces glutamic acid with aspartic acid at codon 565 of the NEXMIF protein (p.Glu565Asp). The glutamic acid residue is highly conserved and there is a small physicochemical difference between glutamic acid and aspartic acid. This variant is not present in population databases (ExAC no frequency). This variant has not been reported in the literature in individuals with NEXMIF-related conditions. In summary, the available evidence is currently insufficient to determine the role of this variant in disease. Therefore, it has been classified as a Variant of Uncertain Significance.